The following is an entry in ClinVar:

NM_004415.4(DSP):c.6381C>T (p.Ala2127=)

Gene: DSP (desmoplakin; plus strand). Cytogenetic location: 6p24.3.
Variant type: single nucleotide variant.
Coding change: c.6381C>T on transcript NM_004415.4 (MANE Select); coding-DNA position 6381, C replaced by T.
Protein change: p.Ala2127=; no amino-acid change (alanine 2127 retained).
Molecular consequence: synonymous variant.
Genome position (GRCh38, 1-based): chr6:7,583,643, C>T. VCF-style: chr6-7583643-C-T. GRCh37 (hg19) VCF-style: chr6-7583876-C-T.
Other names: c.4584C>T, p.Ala1528= (NM_001008844.3); c.5052C>T, p.Ala1684= (NM_001319034.2); c.6381C>T (LRG_423t1, NM_004415.3).
Identifiers: ClinVar variation 377812 (VCV000377812.24), dbSNP rs146315412, ClinGen allele CA047483.

ClinVar aggregate classification (germline): Benign/Likely benign. Review status: criteria provided, multiple submitters, no conflicts (2 of 4 stars). 8 submissions from 8 submitters: Benign (2); Likely benign (3). 3 of the submissions do not count toward it. Last evaluated 2026-01-28.

Conditions:
DSP-related disorder. Also called: DSP-related condition; DSP-related disorders.
Cardiovascular phenotype. Identifiers: MedGen CN230736.
Arrhythmogenic right ventricular dysplasia 8 (ARVD8). Also called: Arrhythmogenic Right Ventricular Dysplasia/Cardiomyopathy 8; ARRHYTHMOGENIC RIGHT VENTRICULAR DYSPLASIA, FAMILIAL, 8; ARRHYTHMOGENIC RIGHT VENTRICULAR CARDIOMYOPATHY 8. Identifiers: MedGen C1843896, MONDO:0011831, OMIM 607450.
Arrhythmogenic cardiomyopathy with wooly hair and keratoderma. Also called: Arrhythmogenic cardiomyopathy with woolly hair and keratoderma; Carvajal syndrome; Dilated cardiomyopathy with woolly hair and keratoderma; PALMOPLANTAR KERATODERMA WITH LEFT VENTRICULAR CARDIOMYOPATHY AND WOOLLY HAIR. Identifiers: Orphanet 65282, MedGen C1854063, MONDO:0011581, OMIM 605676.
Cardiomyopathy (CMYO). Also called: Cardiomyopathies. Identifiers: Orphanet 167848, MedGen C0878544, MONDO:0004994, HP:0001638. Inheritance: Various modes of inheritance.

Allele frequency attached by ClinVar (database versions not stated): gnomAD exomes 0.00001 and 0.00006; ExAC 0.00009; ESP Exome Variant Server 0.00015; 1000 Genomes Project 0.00020; TOPMed 0.00021; gnomAD 0.00023 and 0.00024; 1000 Genomes Project 30x 0.00031.

Submissions (8):

Labcorp Genetics (formerly Invitae), Labcorp
Classification: Benign for Arrhythmogenic cardiomyopathy with wooly hair and keratoderma; Arrhythmogenic right ventricular dysplasia 8. Last evaluated: 2026-01-28. Review status: criteria provided, single submitter. Criteria: Invitae Variant Classification Sherloc (09022015). Collection method: clinical testing. Allele origin: germline.

All of Us Research Program, National Institutes of Health
Classification: Likely benign for Arrhythmogenic cardiomyopathy with wooly hair and keratoderma. Last evaluated: 2024-02-05. Review status: criteria provided, single submitter. Criteria: ACMG Guidelines, 2015. Collection method: clinical testing. Allele origin: germline. Inheritance: Autosomal dominant inheritance. Observed: 9 variant alleles, 9 heterozygotes.
Comment: This study involves interpretation of variants in research participants for the purpose of population health screening. Participant phenotype was not available at the time of variant classification. Additional details can be found in publication PMID: 35346344, PMCID: PMC8962531

Color Diagnostics, LLC DBA Color Health
Classification: Likely benign for Cardiomyopathy. Last evaluated: 2018-12-03. Review status: criteria provided, single submitter. Criteria: ACMG Guidelines, 2015. Collection method: clinical testing. Allele origin: germline.

Ambry Genetics
Classification: Likely benign for Cardiovascular phenotype. Last evaluated: 2016-11-03. Review status: criteria provided, single submitter. Criteria: Ambry Variant Classification Scheme 2023. Collection method: clinical testing. Allele origin: germline.

GeneDx
Classification: Benign. Last evaluated: 2015-09-18. Review status: criteria provided, single submitter. Criteria: GeneDx Variant Classification (06012015). Collection method: clinical testing. Allele origin: germline. Affected: yes.
Comment: This variant is considered likely benign or benign based on one or more of the following criteria: it is a conservative change, it occurs at a poorly conserved position in the protein, it is predicted to be benign by multiple in silico algorithms, and/or has population frequency not consistent with disease.

PreventionGenetics, part of Exact Sciences
Classification: Likely benign for DSP-related condition. Last evaluated: 2021-06-01. Review status: no assertion criteria provided. Collection method: clinical testing. Allele origin: germline. Not counted in ClinVar's aggregate classification.
Comment: This variant is classified as likely benign based on ACMG/AMP sequence variant interpretation guidelines (Richards et al. 2015 PMID: 25741868, with internal and published modifications).

Clinical Genetics DNA and cytogenetics Diagnostics Lab, Erasmus MC, Erasmus Medical Center
Classification: Likely benign. Review status: no assertion criteria provided. Collection method: clinical testing. Allele origin: germline. Affected: yes. Study: VKGL Data-share Consensus. Not counted in ClinVar's aggregate classification.

Clinical Genetics, Academic Medical Center
Classification: Benign. Review status: no assertion criteria provided. Collection method: clinical testing. Allele origin: germline. Affected: yes. Study: VKGL Data-share Consensus. Not counted in ClinVar's aggregate classification.